The following is an entry in ClinVar:

NM_015662.3(IFT172):c.4554G>A (p.Val1518=)

Gene: IFT172 (intraflagellar transport 172; minus strand). Cytogenetic location: 2p23.3.
Variant type: single nucleotide variant.
Coding change: c.4554G>A on transcript NM_015662.3 (MANE Select); coding-DNA position 4554, G replaced by A.
Protein change: p.Val1518=; no amino-acid change (valine 1518 retained).
Molecular consequence: synonymous variant.
Genome position (GRCh38, 1-based): chr2:27,447,620, C>T on the plus strand (G>A on the coding strand, the complement: IFT172 is on the minus strand). VCF-style: chr2-27447620-C-T. GRCh37 (hg19) VCF-style: chr2-27670487-C-T.
Other names: c.4488G>A, p.Val1496= (NM_001410739.1); c.4554G>A (NM_015662.2).
Identifiers: ClinVar variation 2156803 (VCV002156803.5), dbSNP rs552378356, ClinGen allele CA1579553.

ClinVar aggregate classification (germline): Likely benign. Review status: criteria provided, multiple submitters, no conflicts (2 of 4 stars). 2 submissions from 2 submitters: Likely benign (2). Last evaluated 2025-10-14.

Conditions:
IFT172-related disorder. Also called: IFT172-related condition; IFT172-related disorders.
Short-rib thoracic dysplasia 10 with or without polydactyly (SRTD10). Identifiers: Orphanet 474, MedGen C3810175, MONDO:0014284, OMIM 615630.
Retinitis pigmentosa 71 (RP71). Identifiers: Orphanet 791, MedGen C4225342, MONDO:0014618, OMIM 616394.

Allele frequency attached by ClinVar (database versions not stated): gnomAD 0.00001; gnomAD exomes 0.00001; TOPMed 0.00001; ExAC 0.00003; 1000 Genomes Project 30x 0.00016; 1000 Genomes Project 0.00020.
gnomAD v4.1: 19 of 1,614,160 alleles (0.0012%); highest among the groups gnomAD compares: South Asian, 0.016%; no homozygotes.

Submissions (2):

PreventionGenetics, part of Exact Sciences
Classification: Likely benign for IFT172-related condition. Last evaluated: 2025-10-14. Review status: criteria provided, single submitter. Criteria: ACMG Guidelines, 2015. Collection method: clinical testing. Allele origin: germline.
Comment: This variant is classified as likely benign based on ACMG/AMP sequence variant interpretation guidelines (Richards et al. 2015 PMID: 25741868, with internal and published modifications).

Labcorp Genetics (formerly Invitae), Labcorp
Classification: Likely benign for Retinitis pigmentosa 71; Short-rib thoracic dysplasia 10 with or without polydactyly. Last evaluated: 2022-04-13. Review status: criteria provided, single submitter. Criteria: Invitae Variant Classification Sherloc (09022015). Collection method: clinical testing. Allele origin: germline.